The following is an entry in ClinVar:

NM_145290.4(ADGRA3):c.3067T>G (p.Leu1023Val)

Gene: ADGRA3 (adhesion G protein-coupled receptor A3; minus strand). Cytogenetic location: 4p15.2.
Variant type: single nucleotide variant.
Coding change: c.3067T>G on transcript NM_145290.4 (MANE Select); coding-DNA position 3067, T replaced by G.
Protein change: p.Leu1023Val; replaces leucine 1023 with valine.
Molecular consequence: missense variant.
Genome position (GRCh38, 1-based): chr4:22,388,604, A>C on the plus strand (T>G on the coding strand, the complement: ADGRA3 is on the minus strand). VCF-style: chr4-22388604-A-C. GRCh37 (hg19) VCF-style: chr4-22390227-A-C.
Other names: short protein forms L1023V.
Identifiers: ClinVar variation 3623143 (VCV003623143.2).

ClinVar aggregate classification (germline): Uncertain significance (1 of 4 stars; one submission).

gnomAD v4.1: 1 of 1,614,124 alleles (0.000062%); highest among the groups gnomAD compares: East Asian, 0.0022%; no homozygotes.

Submission:

Labcorp Genetics (formerly Invitae), Labcorp
Classification: Uncertain significance. Last evaluated: 2024-12-05. Review status: criteria provided, single submitter. Criteria: Invitae Variant Classification Sherloc (09022015). Collection method: clinical testing. Allele origin: germline.
Comment: This sequence change replaces leucine, which is neutral and non-polar, with valine, which is neutral and non-polar, at codon 1023 of the ADGRA3 protein (p.Leu1023Val). This variant is present in population databases (rs776502251, gnomAD 0.01%). This variant has not been reported in the literature in individuals affected with ADGRA3-related conditions. An algorithm developed to predict the effect of missense changes on protein structure and function (PolyPhen-2) suggests that this variant is likely to be tolerated. In summary, the available evidence is currently insufficient to determine the role of this variant in disease. Therefore, it has been classified as a Variant of Uncertain Significance.